The following is an entry in ClinVar:

ClinVar aggregate classification (germline): Likely pathogenic (1 of 4 stars; one submission).

Conditions:
Neuromuscular disease caused by qualitative or quantitative defects of dystrophin. Also called: Qualitative or quantitative defects of dystrophin. Identifiers: Orphanet 207085, MedGen C5679787, MONDO:0016147.

Submission:

Women's Health and Genetics/Laboratory Corporation of America, LabCorp
Classification: Likely pathogenic for Dystrophinopathies. Last evaluated: 2020-10-05. Review status: criteria provided, single submitter. Criteria: LabCorp Variant Classification Summary - May 2015. Collection method: clinical testing. Allele origin: germline.
Comment: Variant summary: The variant identified by MLPA or other technology involves the deletion of exons 2-5 in the DMD gene. A presumed nomenclature of c.(31+1_32-1)_(357+1_358-1)del has been designated for the purposes of this classification. Although exact breakpoints of this deletion are not known, it is expected to result in a frameshift deletion change in the DMD gene, a known mechanism of disease. The variant was absent in 15813 control chromosomes (gnomAD, Structural Variants dataset). To our knowledge, no occurrence of exons 2-5 deletion in individuals affected with Dystrophinopathies and no experimental evidence demonstrating its impact on protein function have been reported. No clinical diagnostic laboratories have submitted clinical-significance assessments for this variant to ClinVar after 2014. Based on the evidence outlined above, the variant was classified as likely pathogenic.

NC_000023.10:g.(32834758_32841411)_(33038318_33229398)del

Gene: DMD (dystrophin; minus strand). Cytogenetic location: Xp21.1.
Variant type: Deletion.
Identifiers: ClinVar variation 984460 (VCV000984460.1).